The following is an entry in ClinVar:

NM_000827.4(GRIA1):c.1769G>C (p.Ser590Thr)

Gene: GRIA1 (glutamate ionotropic receptor AMPA type subunit 1; plus strand). Cytogenetic location: 5q33.2.
Variant type: single nucleotide variant.
Coding change: c.1769G>C on transcript NM_000827.4 (MANE Select); coding-DNA position 1769, G replaced by C.
Protein change: p.Ser590Thr; replaces serine 590 with threonine.
Molecular consequence: missense variant. On other transcripts: non-coding transcript variant (2).
Genome position (GRCh38, 1-based): chr5:153,706,013, G>C. VCF-style: chr5-153706013-G-C. GRCh37 (hg19) VCF-style: chr5-153085573-G-C.
Other names: c.1769G>C, p.Ser590Thr (NM_001114183.2); c.1529G>C, p.Ser510Thr (NM_001258019.2); c.1484G>C, p.Ser495Thr (NM_001258020.2); c.1799G>C, p.Ser600Thr (NM_001258021.2, NM_001258022.2); c.1562G>C, p.Ser521Thr (NM_001258023.1, NM_001364167.2); c.1601G>C, p.Ser534Thr (NM_001364165.2); c.1796G>C, p.Ser599Thr (NM_001364166.2); short protein forms S495T, S510T, S521T, S534T, S590T, S599T, S600T.
Identifiers: ClinVar variation 3068552 (VCV003068552.1), dbSNP rs2480478251, ClinGen allele CA361909088.
Genomic context (GRCh38, chr5:153,706,013, plus strand): 5'-TTGAGGAAGGACGGGACCAGACAACCAGTGACCAGTCCAATGAGTTTGGGATATTCAACA[G>C]TTTGTGGTTCTCCCTGGGAGCCTTCATGCAGCAAGGATGTGACATTTCTCCCAGGTCAGT-3'
Protein context (NP_000818.2, residues 580-600): DQSNEFGIFN[Ser590Thr]LWFSLGAFMQ

ClinVar aggregate classification (germline): Uncertain significance (1 of 4 stars; one submission).

Conditions:
Intellectual disability. Also called: Intellectual developmental disorder; Intellectual functioning disability; intellectual disabilities. Identifiers: MedGen C3714756, MeSH D008607, MONDO:0001071, HP:0001249.

Submission:

Molecular Genetics, Royal Melbourne Hospital
Classification: Uncertain significance for Intellectual disability. Last evaluated: 2024-01-05. Review status: criteria provided, single submitter. Criteria: ACMG Guidelines, 2015. Collection method: clinical testing. Allele origin: germline. Inheritance: Autosomal dominant inheritance. Affected: yes.
Comment: This sequence change in GRIA1 is predicted to replace serine with threonine at codon 590, p.(Ser590Thr). The serine residue is highly conserved (100 vertebrates, Multiz Alignments), and is located in the Ionotropic glutamate receptor C-terminal domain containing a region, amino acids 590 - 597, that is highly constrained for missense variation (Metadome constraint <0.2). There is a small physicochemical difference between serine and threonine. This variant is absent from the population database gnomAD v4.0. To our knowledge, this variant is novel and has not been previously reported in the relevant scientific literature or databases. Computational evidence is uninformative for the missense substitution (REVEL = 0.40). Based on the classification scheme RMH Modified ACMG/AMP Guidelines v1.6.1, this variant is classified as a VARIANT OF UNCERTAIN SIGNIFICANCE. Following criteria are met: PM1, PM2_Supporting